The following is an entry in ClinVar:

ClinVar aggregate classification (germline): Uncertain significance (1 of 4 stars; one submission).

Conditions:
Leukocyte adhesion deficiency 3. Also called: Leukocyte adhesion deficiency, type III; INTEGRIN ACTIVATION DEFICIENCY DISEASE; LEUKOCYTE ADHESION DEFICIENCY 1 VARIANT. Identifiers: Orphanet 2968, Orphanet 99844, MedGen C2748536, MONDO:0013016, OMIM 612840.

Submission:

Labcorp Genetics (formerly Invitae), Labcorp
Classification: Uncertain significance for Leukocyte adhesion deficiency 3. Last evaluated: 2024-10-15. Review status: criteria provided, single submitter. Criteria: Invitae Variant Classification Sherloc (09022015). Collection method: clinical testing. Allele origin: germline.
Comment: This sequence change replaces valine, which is neutral and non-polar, with alanine, which is neutral and non-polar, at codon 36 of the FERMT3 protein (p.Val36Ala). This variant is not present in population databases (gnomAD no frequency). This variant has not been reported in the literature in individuals affected with FERMT3-related conditions. ClinVar contains an entry for this variant (Variation ID: 2121472). Invitae Evidence Modeling of protein sequence and biophysical properties (such as structural, functional, and spatial information, amino acid conservation, physicochemical variation, residue mobility, and thermodynamic stability) indicates that this missense variant is expected to disrupt FERMT3 protein function with a positive predictive value of 80%. In summary, the available evidence is currently insufficient to determine the role of this variant in disease. Therefore, it has been classified as a Variant of Uncertain Significance.

NM_031471.6(FERMT3):c.107T>C (p.Val36Ala)

Gene: FERMT3 (FERM domain containing kindlin 3; plus strand). Cytogenetic location: 11q13.1.
Variant type: single nucleotide variant.
Coding change: c.107T>C on transcript NM_031471.6 (MANE Select); coding-DNA position 107, T replaced by C.
Protein change: p.Val36Ala; replaces valine 36 with alanine.
Molecular consequence: missense variant.
Genome position (GRCh38, 1-based): chr11:64,207,471, T>C. VCF-style: chr11-64207471-T-C. GRCh37 (hg19) VCF-style: chr11-63974943-T-C.
Other names: c.107T>C, p.Val36Ala (NM_001382361.1, NM_001382362.1, NM_001382448.1 and 1 more transcripts); short protein forms V36A.
Identifiers: ClinVar variation 2121472 (VCV002121472.4), dbSNP rs2495949398, ClinGen allele CA381079657.